The following is an entry in ClinVar:

ClinVar aggregate classification (germline): Conflicting classifications of pathogenicity. Review status: criteria provided, conflicting classifications (1 of 4 stars). 9 submissions from 9 submitters: Uncertain significance (2); Benign (2); Likely benign (4). 1 of the submissions does not count toward it. Last evaluated 2026-02-03.

Conditions:
TSC2-related disorder. Also called: TSC2-Related Disorders; TSC2-related condition.
Hereditary cancer-predisposing syndrome. Also called: Neoplastic Syndromes, Hereditary; Hereditary Cancer Syndrome; Tumor predisposition; Hereditary neoplastic syndrome. Identifiers: Orphanet 140162, MedGen C0027672, MeSH D009386, MONDO:0015356.
Tuberous sclerosis syndrome (TSC). Also called: Tuberous Sclerosis Complex; Tuberous sclerosis. Identifiers: Orphanet 805, MedGen C0041341, MONDO:0001734.
Tuberous sclerosis 2 (TSC2). Identifiers: Orphanet 805, MedGen C1860707, MONDO:0013199, OMIM 613254.

Allele frequency attached by ClinVar (database versions not stated): gnomAD exomes 0.00001 and 0.00002; ExAC 0.00003; gnomAD 0.00003 and 0.00004; TOPMed 0.00006; ESP Exome Variant Server 0.00008.
gnomAD v4.1: 23 of 1,612,770 alleles (0.0014%); highest among the groups gnomAD compares: African/African-American, 0.012%; no homozygotes.

Submissions (9):

Labcorp Genetics (formerly Invitae), Labcorp
Classification: Benign for Tuberous sclerosis 2. Last evaluated: 2026-02-03. Review status: criteria provided, single submitter. Criteria: Invitae Variant Classification Sherloc (09022015). Collection method: clinical testing. Allele origin: germline.

Myriad Genetics, Inc.
Classification: Likely benign for Tuberous sclerosis 2. Last evaluated: 2024-08-23. Review status: criteria provided, single submitter. Criteria: Myriad Autosomal Dominant, Autosomal Recessive and X-Linked Classification Criteria (2023). Collection method: clinical testing. Allele origin: unknown.
Comment: This variant is considered likely benign. This variant has been observed at a population frequency that is significantly greater than expected given the associated disease prevalence and penetrance.

Color Diagnostics, LLC DBA Color Health
Classification: Uncertain significance for Tuberous sclerosis syndrome. Last evaluated: 2024-05-15. Review status: criteria provided, single submitter. Criteria: ACMG Guidelines, 2015. Collection method: clinical testing. Allele origin: germline.
Comment: This missense variant replaces valine with methionine at codon 1699 of the TSC2 protein. Computational prediction is inconclusive regarding the impact of this variant on protein structure and function. To our knowledge, functional studies have not been reported for this variant. This variant has not been reported in individuals affected with TSC2-related disorders in the literature. This variant has been identified in 6/250366 chromosomes in the general population by the Genome Aggregation Database (gnomAD). The available evidence is insufficient to determine the role of this variant in disease conclusively. Therefore, this variant is classified as a Variant of Uncertain Significance.

All of Us Research Program, National Institutes of Health
Classification: Uncertain significance for Tuberous sclerosis syndrome. Last evaluated: 2023-10-30. Review status: criteria provided, single submitter. Criteria: ACMG Guidelines, 2015. Collection method: clinical testing. Allele origin: germline. Inheritance: Autosomal dominant inheritance. Observed: 5 variant alleles, 5 heterozygotes.
Comment: This missense variant replaces valine with methionine at codon 1699 of the TSC2 protein. Computational prediction is inconclusive regarding the impact of this variant on protein structure and function (internally defined REVEL score threshold 0.5 < inconclusive < 0.7, PMID: 27666373). To our knowledge, functional studies have not been reported for this variant. This variant has not been reported in individuals affected with TSC2-related disorders in the literature. This variant has been identified in 6/250366 chromosomes in the general population by the Genome Aggregation Database (gnomAD). The available evidence is insufficient to determine the role of this variant in disease conclusively. Therefore, this variant is classified as a Variant of Uncertain Significance.

This study involves interpretation of variants in research participants for the purpose of population health screening. Participant phenotype was not available at the time of variant classification. Additional details can be found in publication PMID: 35346344, PMCID: PMC8962531

Blueprint Genetics
Classification: Likely benign. Last evaluated: 2023-04-27. Review status: criteria provided, single submitter. Criteria: ACMG Guidelines, 2015. Collection method: clinical testing. Allele origin: germline.

Genome-Nilou Lab
Classification: Benign for Tuberous sclerosis 2. Last evaluated: 2021-11-07. Review status: criteria provided, single submitter. Criteria: ACMG Guidelines, 2015. Collection method: clinical testing. Allele origin: germline. Affected: no.

Ambry Genetics
Classification: Likely benign for Hereditary cancer-predisposing syndrome. Last evaluated: 2018-09-11. Review status: criteria provided, single submitter. Criteria: Ambry Variant Classification Scheme 2023. Collection method: clinical testing. Allele origin: germline.

GeneDx
Classification: Likely benign. Last evaluated: 2017-06-02. Review status: criteria provided, single submitter. Criteria: GeneDx Variant Classification (06012015). Collection method: clinical testing. Allele origin: germline. Affected: yes.
Comment: This variant is considered likely benign or benign based on one or more of the following criteria: it is a conservative change, it occurs at a poorly conserved position in the protein, it is predicted to be benign by multiple in silico algorithms, and/or has population frequency not consistent with disease.

PreventionGenetics, part of Exact Sciences
Classification: Likely benign for TSC2-related condition. Last evaluated: 2024-01-09. Review status: no assertion criteria provided. Collection method: clinical testing. Allele origin: germline. Not counted in ClinVar's aggregate classification.
Comment: This variant is classified as likely benign based on ACMG/AMP sequence variant interpretation guidelines (Richards et al. 2015 PMID: 25741868, with internal and published modifications).

NM_000548.5(TSC2):c.5095G>A (p.Val1699Met)

Gene: TSC2 (TSC complex subunit 2; plus strand). Cytogenetic location: 16p13.3.
Variant type: single nucleotide variant.
Coding change: c.5095G>A on transcript NM_000548.5 (MANE Select); coding-DNA position 5095, G replaced by A.
Protein change: p.Val1699Met; replaces valine 1699 with methionine.
Molecular consequence: missense variant.
Genome position (GRCh38, 1-based): chr16:2,088,074, G>A. VCF-style: chr16-2088074-G-A. GRCh37 (hg19) VCF-style: chr16-2138075-G-A.
Other names: p.V1699M:GTG>ATG; c.5095G>A (NM_000548.4); c.4894G>A, p.Val1632Met (NM_001077183.3); c.5026G>A, p.Val1676Met (NM_001114382.3); c.4786G>A, p.Val1596Met (NM_001318827.2); c.4750G>A, p.Val1584Met (NM_001318829.2); c.4363G>A, p.Val1455Met (NM_001318831.2); c.4927G>A, p.Val1643Met (NM_001318832.2); and 3 more; short protein forms V1699M, V1633M, V1643M, V1655M, V1584M, V1596M, V1632M, V1676M.
Identifiers: ClinVar variation 207692 (VCV000207692.23), dbSNP rs370864445, ClinGen allele CA053941.